The following is an entry in ClinVar:

NM_032737.4(LMNB2):c.1256C>T (p.Ser419Leu)

Gene: LMNB2 (lamin B2; minus strand). Cytogenetic location: 19p13.3.
Variant type: single nucleotide variant.
Coding change: c.1256C>T on transcript NM_032737.4 (MANE Select); coding-DNA position 1256, C replaced by T.
Protein change: p.Ser419Leu; replaces serine 419 with leucine.
Molecular consequence: missense variant.
Genome position (GRCh38, 1-based): chr19:2,434,052, G>A on the plus strand (C>T on the coding strand, the complement: LMNB2 is on the minus strand). VCF-style: chr19-2434052-G-A. GRCh37 (hg19) VCF-style: chr19-2434050-G-A.
Other names: c.1196C>T (NM_032737.2); short protein forms S419L.
Identifiers: ClinVar variation 577353 (VCV000577353.11), dbSNP rs368949581, ClinGen allele CA304225373.

ClinVar aggregate classification (germline): Uncertain significance. Review status: criteria provided, multiple submitters, no conflicts (2 of 4 stars). 3 submissions from 3 submitters: Uncertain significance (3). Last evaluated 2025-10-02.

Conditions:
Progressive myoclonic epilepsy type 9. Identifiers: Orphanet 457265, MedGen C4225289, MONDO:0014685, OMIM 616540.
Lipodystrophy, partial, acquired, susceptibility to (APLD). Also called: APLD, SUSCEPTIBILITY TO. Identifiers: MedGen C3887501, MONDO:0100476, OMIM 608709.

Allele frequency attached by ClinVar (database versions not stated): TOPMed 0.00005; ESP Exome Variant Server 0.00008; gnomAD 0.00016.
gnomAD v4.1: 22 of 1,600,480 alleles (0.0014%); highest among the groups gnomAD compares: African/African-American, 0.02%; no homozygotes.

Submissions (3):

Labcorp Genetics (formerly Invitae), Labcorp
Classification: Uncertain significance for Progressive myoclonic epilepsy type 9; Lipodystrophy, partial, acquired, susceptibility to. Last evaluated: 2025-10-02. Review status: criteria provided, single submitter. Criteria: Invitae Variant Classification Sherloc (09022015). Collection method: clinical testing. Allele origin: germline.
Comment: This sequence change replaces serine, which is neutral and polar, with leucine, which is neutral and non-polar, at codon 419 of the LMNB2 protein (p.Ser419Leu). The frequency data for this variant in the population databases is considered unreliable, as metrics indicate poor data quality at this position in the gnomAD database. This variant has not been reported in the literature in individuals affected with LMNB2-related conditions. ClinVar contains an entry for this variant (Variation ID: 577353). Invitae Evidence Modeling of protein sequence and biophysical properties (such as structural, functional, and spatial information, amino acid conservation, physicochemical variation, residue mobility, and thermodynamic stability) indicates that this missense variant is not expected to disrupt LMNB2 protein function with a negative predictive value of 80%. In summary, the available evidence is currently insufficient to determine the role of this variant in disease. Therefore, it has been classified as a Variant of Uncertain Significance.

Ambry Genetics
Classification: Uncertain significance. Last evaluated: 2024-07-16. Review status: criteria provided, single submitter. Criteria: Ambry Variant Classification Scheme 2023. Collection method: clinical testing. Allele origin: germline.

Blueprint Genetics
Classification: Uncertain significance. Last evaluated: 2020-07-13. Review status: criteria provided, single submitter. Criteria: ACMG Guidelines, 2015. Collection method: clinical testing. Allele origin: germline.